The following is an entry in ClinVar:

ClinVar aggregate classification (germline): Uncertain significance (1 of 4 stars; one submission).

Conditions:
Ullrich congenital muscular dystrophy 2 (UCMD2). Identifiers: Orphanet 75840, MedGen C4225314, MONDO:0014654, OMIM 616470.
Bethlem myopathy 2 (BTHLM2). Identifiers: Orphanet 536516, Orphanet 610, MedGen C4225313, MONDO:0034022, OMIM 616471.

Submission:

Labcorp Genetics (formerly Invitae), Labcorp
Classification: Uncertain significance for Bethlem myopathy 2; Ullrich congenital muscular dystrophy 2. Last evaluated: 2022-05-04. Review status: criteria provided, single submitter. Criteria: Invitae Variant Classification Sherloc (09022015). Collection method: clinical testing. Allele origin: germline.
Comment: In summary, the available evidence is currently insufficient to determine the role of this variant in disease. Therefore, it has been classified as a Variant of Uncertain Significance. Advanced modeling of protein sequence and biophysical properties (such as structural, functional, and spatial information, amino acid conservation, physicochemical variation, residue mobility, and thermodynamic stability) performed at Invitae indicates that this missense variant is expected to disrupt COL12A1 protein function. This variant has not been reported in the literature in individuals affected with COL12A1-related conditions. This variant is not present in population databases (gnomAD no frequency). This sequence change replaces asparagine, which is neutral and polar, with isoleucine, which is neutral and non-polar, at codon 1538 of the COL12A1 protein (p.Asn1538Ile).

NM_004370.6(COL12A1):c.4613A>T (p.Asn1538Ile)

Gene: COL12A1 (collagen type XII alpha 1 chain; minus strand). Cytogenetic location: 6q13.
Variant type: single nucleotide variant.
Coding change: c.4613A>T on transcript NM_004370.6 (MANE Select); coding-DNA position 4613, A replaced by T.
Protein change: p.Asn1538Ile; replaces asparagine 1538 with isoleucine.
Molecular consequence: missense variant.
Genome position (GRCh38, 1-based): chr6:75,145,403, T>A on the plus strand (A>T on the coding strand, the complement: COL12A1 is on the minus strand). VCF-style: chr6-75145403-T-A. GRCh37 (hg19) VCF-style: chr6-75855119-T-A.
Other names: c.1121A>T, p.Asn374Ile (NM_080645.3); short protein forms N1538I, N374I.
Identifiers: ClinVar variation 2133529 (VCV002133529.4), dbSNP rs115246424, ClinGen allele CA364743068.
Genomic context (GRCh38, chr6:75,145,403, plus strand): 5'-GTGACAGGTTCACTAGTGAGGTCGTGCAGGACAGCCTGGACTGTGACTGCATACTCCGTG[T>A]TGGGAACAAGGTCAGTCAGCTGCATGTCATTCACTGTTGGCCCCAAACGCACCTGCACAT-3'
Protein context (NP_004361.3, residues 1528-1548): NDMQLTDLVP[Asn1538Ile]TEYAVTVQAV